The following is an entry in ClinVar:

Single allele

Variant type: Variation.
Identifiers: ClinVar variation 65936 (VCV000065936.2).

ClinVar aggregate classification (germline): Pathogenic (0 of 4 stars; one submission).

Conditions:
Central core myopathy (CMYO1A). Also called: Central core disease; Myopathy, central fibrillar; CONGENITAL MYOPATHY 1A, AUTOSOMAL DOMINANT, WITH SUSCEPTIBILITY TO MALIGNANT HYPERTHERMIA. Identifiers: Orphanet 597, MedGen C5830701, MONDO:0007294, OMIM 117000.

Submission:

GeneReviews
Classification: Pathogenic for Central Core Disease. Last evaluated: 2010-05-11. Review status: no assertion criteria provided. Collection method: curation. Allele origin: unknown.
ClinVar note: Converted during submission from pathologic to Pathogenic.